The following is an entry in ClinVar:

NM_000381.4(MID1):c.947C>A (p.Ala316Glu)

Gene: MID1 (midline 1; minus strand). Cytogenetic location: Xp22.2.
Variant type: single nucleotide variant.
Coding change: c.947C>A on transcript NM_000381.4 (MANE Select); coding-DNA position 947, C replaced by A.
Protein change: p.Ala316Glu; replaces alanine 316 with glutamic acid.
Molecular consequence: missense variant.
Genome position (GRCh38, 1-based): chrX:10,482,546, G>T on the plus strand (C>A on the coding strand, the complement: MID1 is on the minus strand). VCF-style: chrX-10482546-G-T. GRCh37 (hg19) VCF-style: chrX-10450586-G-T.
Other names: c.947C>A, p.Ala316Glu (NM_001098624.2, NM_001193277.1, NM_001193279.1 and 2 more transcripts); c.1100C>A, p.Ala367Glu (NM_001193278.1); c.833C>A, p.Ala278Glu (NM_001193280.1, NM_033289.2); c.947C>A (NM_000381.2); short protein forms A316E, A278E, A367E.
Identifiers: ClinVar variation 92882 (VCV000092882.8), dbSNP rs398123344, ClinGen allele CA220697.

ClinVar aggregate classification (germline): Uncertain significance. Review status: criteria provided, multiple submitters, no conflicts (2 of 4 stars). 2 submissions from 2 submitters: Uncertain significance (2). Last evaluated 2026-09-25.

Submissions (2):

GeneDx
Classification: Uncertain significance. Last evaluated: 2026-09-25. Review status: criteria provided, single submitter. Criteria: GeneDx Variant Classification Process June 2021. Collection method: clinical testing. Allele origin: germline.
Comment: Has not been previously published as pathogenic or benign to our knowledge; Not observed at significant frequency in large population cohorts (gnomAD); In silico analysis supports that this missense variant has a deleterious effect on protein structure/function

Eurofins Ntd Llc (ga)
Classification: Uncertain significance. Last evaluated: 2016-09-08. Review status: criteria provided, single submitter. Criteria: EGL Classification Definitions 2015. Collection method: clinical testing. Allele origin: germline. Observed: 4 variant alleles, 2 heterozygotes, 2 hemizygotes.